The following is an entry in ClinVar:

NM_000203.5(IDUA):c.235G>A (p.Ala79Thr)

Genes: SLC26A1 (solute carrier family 26 member 1; minus strand), IDUA (alpha-L-iduronidase; plus strand). Cytogenetic location: 4p16.3.
Variant type: single nucleotide variant.
Coding change: c.235G>A on transcript NM_000203.5 (MANE Select); coding-DNA position 235, G replaced by A.
Protein change: p.Ala79Thr; replaces alanine 79 with threonine.
Molecular consequence: missense variant. On other transcripts: 3 prime UTR variant (2), non-coding transcript variant (1), intron variant (1).
Genome position (GRCh38, 1-based): chr4:987,885, G>A. VCF-style: chr4-987885-G-A. GRCh37 (hg19) VCF-style: chr4-981673-G-A.
Other names: c.*948C>T (NM_022042.4, NM_213613.4); c.576+3243C>T (NM_134425.4); short protein forms A79T.
Identifiers: ClinVar variation 195038 (VCV000195038.29), dbSNP rs58037052, ClinGen allele CA201508.
Genomic context (GRCh38, chr4:987,885, plus strand): 5'-AGCCAGGCTGACCAGTACGTCCTCAGCTGGGACCAGCAGCTCAACCTCGCCTATGTGGGC[G>A]CCGTCCCTCACCGCGGCATCAAGCAGGTCCGGACCCACTGGCTGCTGGAGCTTGTCACCA-3'
Protein context (NP_000194.2, residues 69-89): DQQLNLAYVG[Ala79Thr]VPHRGIKQVR

ClinVar aggregate classification (germline): Benign/Likely benign; other. Review status: criteria provided, multiple submitters, no conflicts (2 of 4 stars). 14 submissions from 14 submitters: Benign (5); Likely benign (2). 5 of the submissions do not count toward it. Last evaluated 2025-12-04.

Conditions:
Mucopolysaccharidosis type 1. Also called: Mucopolysaccharidosis Type I; IDUA deficiency; MPS I. Identifiers: Orphanet 579, MedGen C0023786, MONDO:0001586.
Nephrolithiasis, calcium oxalate. Also called: Calcium oxalate urolithiasis. Identifiers: MedGen C1833683, MONDO:0957318, HP:0008672.
Hurler syndrome. Also called: Gargoylism, Hurler Syndrome; MUCOPOLYSACCHARIDOSIS TYPE IH; Severe MPS I (Hurler Syndrome). Identifiers: Orphanet 93473, MedGen C0086795, MONDO:0011758, OMIM 607014.

Allele frequency attached by ClinVar (database versions not stated): gnomAD exomes 0.00239; ExAC 0.00362; gnomAD 0.00859 and 0.00910; ESP Exome Variant Server 0.00964; TOPMed 0.00964; 1000 Genomes Project 0.01018; 1000 Genomes Project 30x 0.01218.
gnomAD v4.1: 2,552 of 1,611,212 alleles (0.16%); highest among the groups gnomAD compares: African/African-American, 3.1%; 30 homozygotes.

Submissions (14):

Dasa
Classification: Benign. Last evaluated: 2025-12-04. Review status: criteria provided, single submitter. Criteria: DASA Assertion Criteria. Collection method: clinical testing. Allele origin: germline.
Comment: NM_000203.5(IDUA):c.235G>A (p.Ala79Thr) is a missense variant that results in the substitution of alanine with threonine. Population frequency is inconsistent with a disease-causing role for this variant, and observations in unaffected individuals support a benign interpretation. Therefore, based on the currently available evidence, this variant is classified as benign.

Women's Health and Genetics/Laboratory Corporation of America, LabCorp
Classification: Benign. Last evaluated: 2021-11-01. Review status: criteria provided, single submitter. Criteria: LabCorp Variant Classification Summary - May 2015. Collection method: clinical testing. Allele origin: germline.
Comment: Variant summary: IDUA c.235G>A (p.Ala79Thr) results in a non-conservative amino acid change in the encoded protein sequence. Three of five in-silico tools predict a damaging effect of the variant on protein function. The variant allele was found at a frequency of 0.0031 in 270526 control chromosomes, predominantly at a frequency of 0.031 within the African or African-American subpopulation in the gnomAD database, including 9 homozygotes. The observed variant frequency within African or African-American control individuals in the gnomAD database is approximately 12 fold of the estimated maximal expected allele frequency for a pathogenic variant in IDUA causing Mucopolysaccharidosis Type 1 phenotype (0.0027), strongly suggesting that the variant is a benign polymorphism found primarily in populations of African or African-American origin. The variant, c.235G>A, also has been reported in the literature as a well-known pseudodeficiency allele, prevalent in the African American subpopulation. Individuals with pseudodeficiency allele(s) exhibit decreased alpha-L-iduronidase enzyme activity in biochemical assays using artificial substrates, but otherwise show no evidence of disease (see e.g. in Clarke_2016). Seven ClinVar submitters (evaluation after 2014) cite the variant as benign/likely benign pseudodeficiency allele (n=6) or VUS (n=1). Based on the evidence outlined above, the variant was classified as benign.

Fulgent Genetics
Classification: Likely benign for Nephrolithiasis susceptibility caused by SLC26A1. Last evaluated: 2021-07-19. Review status: criteria provided, single submitter. Criteria: ACMG Guidelines, 2015. Collection method: clinical testing. Allele origin: unknown.

Labcorp Genetics (formerly Invitae), Labcorp
Classification: other for Mucopolysaccharidosis type I. Last evaluated: 2018-12-26. Review status: criteria provided, single submitter. Criteria: Invitae Variant Classification Sherloc (09022015). Collection method: clinical testing. Allele origin: germline.

GeneDx
Classification: Benign. Last evaluated: 2018-09-18. Review status: criteria provided, single submitter. Criteria: GeneDx Variant Classification Process June 2021. Collection method: clinical testing. Allele origin: germline. Affected: yes.
Comment: This variant is associated with the following publications: (PMID: 27939258)

Eurofins Ntd Llc (ga)
Classification: other. Last evaluated: 2018-05-25. Review status: criteria provided, single submitter. Criteria: EGL ClinVar v180209 classification definitions. Collection method: clinical testing. Allele origin: germline. Observed: 16 variant alleles, 12 heterozygotes, 4 homozygotes.

Illumina Laboratory Services, Illumina
Classification: Benign for Mucopolysaccharidosis type 1. Last evaluated: 2017-04-28. Review status: criteria provided, single submitter. Criteria: ICSL Variant Classification Criteria 13 December 2019. Collection method: clinical testing. Allele origin: germline.
Comment: This variant was observed as part of a predisposition screen in an ostensibly healthy population. A literature search was performed for the gene, cDNA change, and amino acid change (where applicable). No publications were found based on this search. Allele frequency data from public databases was too high to be consistent with this variant causing disease. Therefore, this variant is classified as benign.

Center for Pediatric Genomic Medicine, Children's Mercy Hospital and Clinics
Classification: Benign. Last evaluated: 2017-01-27. Review status: criteria provided, single submitter. Criteria: ACMG Guidelines, 2015. Collection method: clinical testing. Allele origin: germline.

Breakthrough Genomics
Classification: Likely benign. Review status: criteria provided, single submitter. Criteria: ACMG Guidelines, 2015. Collection method: not provided. Allele origin: germline. Inheritance: Autosomal recessive inheritance. Affected: yes.

Counsyl
Classification: Likely benign for Hurler syndrome. Last evaluated: 2018-05-16. Review status: no assertion criteria provided. Collection method: clinical testing. Allele origin: unknown. Not counted in ClinVar's aggregate classification.

Mayo Clinic Laboratories, Mayo Clinic
Classification: other. Last evaluated: 2016-07-27. Review status: no assertion criteria provided. Collection method: clinical testing. Allele origin: unknown. Not counted in ClinVar's aggregate classification.
Comment: The A79T variant has been reported in individuals with alpha-iduronidase (IDUA) enzyme activity in the below normal, but above affected range and results in no biochemical evidence of impaired substrate metabolism or clinical features consistent with MPS I. This and the high observed variant frequency and presence of multiple homozygotes in a healthy control population in the gnomAD database strongly supports classification of this variant as a pseudodeficiency allele.

Clinical Genetics, Academic Medical Center
Classification: Benign. Review status: no assertion criteria provided. Collection method: clinical testing. Allele origin: germline. Affected: yes. Study: VKGL Data-share Consensus. Not counted in ClinVar's aggregate classification.

GeneReviews
No classification provided. Condition: Mucopolysaccharidosis type 1. Review status: no classification provided. Collection method: literature only. Allele origin: germline. Not counted in ClinVar's aggregate classification.
Comment: Pseudodeficiency variants

Laboratory of Diagnostic Genome Analysis, Leiden University Medical Center (LUMC)
Classification: Likely benign. Review status: no assertion criteria provided. Collection method: clinical testing. Allele origin: germline. Affected: yes. Study: VKGL Data-share Consensus. Not counted in ClinVar's aggregate classification.

Literature cited by the submitters: PubMed 27939258 (cited by 3 submitters); PubMed 27238910 (cited by 3 submitters); PubMed 32432561 (cited by Women's Health and Genetics/Laboratory Corporation of America, LabCorp); PubMed 33198351 (cited by Mayo Clinic Laboratories, Mayo Clinic); PubMed 39702574 (cited by Mayo Clinic Laboratories, Mayo Clinic); PubMed 39559959 (cited by Mayo Clinic Laboratories, Mayo Clinic); NCBI Bookshelf NBK1162 (cited by GeneReviews).